The following is an entry in ClinVar:

ClinVar aggregate classification (germline): Uncertain significance (1 of 4 stars; one submission).

Conditions:
Cockayne syndrome. Identifiers: Orphanet 191, MedGen C0009207, MONDO:0016006.
Fanconi anemia complementation group Q. Identifiers: Orphanet 84, MedGen C3808988, MONDO:0014108, OMIM 615272.
Xeroderma pigmentosum, group F (XPF). Also called: XERODERMA PIGMENTOSUM VI; XP, GROUP F; XERODERMA PIGMENTOSUM, TYPE F; Xeroderma pigmentosum, type 6; ERCC4-Related Xeroderma Pigmentosum; XERODERMA PIGMENTOSUM, COMPLEMENTATION GROUP F. Identifiers: MedGen C0268140, MONDO:0010215, OMIM 278760.

gnomAD v4.1: 5 of 1,612,932 alleles (0.00031%); highest among the groups gnomAD compares: African/African-American, 0.0027%; no homozygotes.

Submission:

Labcorp Genetics (formerly Invitae), Labcorp
Classification: Uncertain significance for Fanconi anemia complementation group Q; Xeroderma pigmentosum, group F; Cockayne syndrome. Last evaluated: 2025-07-23. Review status: criteria provided, single submitter. Criteria: Invitae Variant Classification Sherloc (09022015). Collection method: clinical testing. Allele origin: germline.
Comment: This sequence change replaces glutamine, which is neutral and polar, with arginine, which is basic and polar, at codon 300 of the ERCC4 protein (p.Gln300Arg). This variant is present in population databases (no rsID available, gnomAD 0.01%). This variant has not been reported in the literature in individuals affected with ERCC4-related conditions. Invitae Evidence Modeling of protein sequence and biophysical properties (such as structural, functional, and spatial information, amino acid conservation, physicochemical variation, residue mobility, and thermodynamic stability) indicates that this missense variant is not expected to disrupt ERCC4 protein function with a negative predictive value of 80%. Algorithms developed to predict the effect of sequence changes on RNA splicing suggest that this variant may create or strengthen a splice site. In summary, the available evidence is currently insufficient to determine the role of this variant in disease. Therefore, it has been classified as a Variant of Uncertain Significance.

NM_005236.3(ERCC4):c.899A>G (p.Gln300Arg)

Gene: ERCC4 (ERCC excision repair 4, endonuclease catalytic subunit; plus strand). Cytogenetic location: 16p13.12.
Variant type: single nucleotide variant.
Coding change: c.899A>G on transcript NM_005236.3 (MANE Select); coding-DNA position 899, A replaced by G.
Protein change: p.Gln300Arg; replaces glutamine 300 with arginine.
Molecular consequence: missense variant.
Genome position (GRCh38, 1-based): chr16:13,930,816, A>G. VCF-style: chr16-13930816-A-G. GRCh37 (hg19) VCF-style: chr16-14024673-A-G.
Other names: short protein forms Q300R.
Identifiers: ClinVar variation 4793508 (VCV004793508.1).
Genomic context (GRCh38, chr16:13,930,816, plus strand): 5'-AGACTAAATCCTTAGTTCAGGATTTGAAGATATTACGAACTTTGCTGCAGTATCTCTCTC[A>G]GTATGATTGTGTCACATTTCTTAATCTTCTGGAATCTCTGAGAGCAACGGAAAAAGCTTT-3'
Protein context (NP_005227.1, residues 290-310): ILRTLLQYLS[Gln300Arg]YDCVTFLNLL